The following is an entry in ClinVar:

ClinVar aggregate classification (germline): Uncertain significance. Review status: criteria provided, multiple submitters, no conflicts (2 of 4 stars). 2 submissions from 2 submitters: Uncertain significance (2). Last evaluated 2025-07-01.

Allele frequency attached by ClinVar (database versions not stated): ExAC 0.00001; TOPMed 0.00001; gnomAD 0.00002.
gnomAD v4.1: 7 of 1,612,648 alleles (0.00043%); highest among the groups gnomAD compares: Non-Finnish European, 0.00059%; no homozygotes.

Submissions (2):

CeGaT Center for Human Genetics Tuebingen
Classification: Uncertain significance. Last evaluated: 2025-07-01. Review status: criteria provided, single submitter. Criteria: CeGaT Center For Human Genetics Tuebingen Variant Classification Criteria Version 2. Collection method: clinical testing. Allele origin: germline. Affected: yes. Observed: 1 variant allele.

Labcorp Genetics (formerly Invitae), Labcorp
Classification: Uncertain significance. Last evaluated: 2022-10-18. Review status: criteria provided, single submitter. Criteria: Invitae Variant Classification Sherloc (09022015). Collection method: clinical testing. Allele origin: germline.
Comment: Advanced modeling of protein sequence and biophysical properties (such as structural, functional, and spatial information, amino acid conservation, physicochemical variation, residue mobility, and thermodynamic stability) performed at Invitae indicates that this missense variant is not expected to disrupt COL4A2 protein function. This variant has not been reported in the literature in individuals affected with COL4A2-related conditions. This variant is present in population databases (rs755371182, gnomAD 0.003%). This sequence change replaces proline, which is neutral and non-polar, with glutamine, which is neutral and polar, at codon 164 of the COL4A2 protein (p.Pro164Gln). In summary, the available evidence is currently insufficient to determine the role of this variant in disease. Therefore, it has been classified as a Variant of Uncertain Significance.

NM_001846.4(COL4A2):c.491C>A (p.Pro164Gln)

Gene: COL4A2 (collagen type IV alpha 2 chain; plus strand). Cytogenetic location: 13q34.
Variant type: single nucleotide variant.
Coding change: c.491C>A on transcript NM_001846.4 (MANE Select); coding-DNA position 491, C replaced by A.
Protein change: p.Pro164Gln; replaces proline 164 with glutamine.
Molecular consequence: missense variant.
Genome position (GRCh38, 1-based): chr13:110,429,898, C>A. VCF-style: chr13-110429898-C-A. GRCh37 (hg19) VCF-style: chr13-111082245-C-A.
Other names: short protein forms P164Q.
Identifiers: ClinVar variation 2063916 (VCV002063916.12), dbSNP rs755371182, ClinGen allele CA7048932.